The following is an entry in ClinVar:

ClinVar aggregate classification (germline): Likely benign (1 of 4 stars; one submission).

Allele frequency attached by ClinVar (database versions not stated): gnomAD exomes 0.00022; ExAC 0.00074; gnomAD 0.00236; TOPMed 0.00253; 1000 Genomes Project 0.00319; 1000 Genomes Project 30x 0.00344.
gnomAD v4.1: 680 of 1,612,156 alleles (0.042%); highest among the groups gnomAD compares: African/African-American, 0.86%; 16 homozygotes.

Submission:

CeGaT Center for Human Genetics Tuebingen
Classification: Likely benign. Last evaluated: 2022-12-01. Review status: criteria provided, single submitter. Criteria: CeGaT Center For Human Genetics Tuebingen Variant Classification Criteria Version 2. Collection method: clinical testing. Allele origin: germline. Affected: yes. Observed: 1 variant allele.
Comment: ZSCAN5C: PP3, BS2

NM_001358413.3(ZSCAN5C):c.1325G>A (p.Cys442Tyr)

Gene: ZSCAN5C (zinc finger and SCAN domain containing 5C; plus strand). Cytogenetic location: 19q13.43.
Variant type: single nucleotide variant.
Coding change: c.1325G>A on transcript NM_001358413.3 (MANE Select); coding-DNA position 1325, G replaced by A.
Protein change: p.Cys442Tyr; replaces cysteine 442 with tyrosine.
Molecular consequence: missense variant.
Genome position (GRCh38, 1-based): chr19:56,209,034, G>A. VCF-style: chr19-56209034-G-A. GRCh37 (hg19) VCF-style: chr19-56720403-G-A.
Other names: short protein forms C442Y.
Identifiers: ClinVar variation 2650559 (VCV002650559.24), dbSNP rs531838465, ClinGen allele CA9688125.